The following is an entry in ClinVar:

ClinVar aggregate classification (germline): Uncertain significance (1 of 4 stars; one submission).

Allele frequency attached by ClinVar (database versions not stated): gnomAD exomes below 0.00001; gnomAD 0.00001; ExAC 0.00005.
gnomAD v4.1: 6 of 1,551,718 alleles (0.00039%); highest among the groups gnomAD compares: South Asian, 0.0036%; no homozygotes.

Submission:

Labcorp Genetics (formerly Invitae), Labcorp
Classification: Uncertain significance. Last evaluated: 2022-03-27. Review status: criteria provided, single submitter. Criteria: Invitae Variant Classification Sherloc (09022015). Collection method: clinical testing. Allele origin: germline.
Comment: Algorithms developed to predict the effect of missense changes on protein structure and function are either unavailable or do not agree on the potential impact of this missense change (SIFT: "Deleterious"; PolyPhen-2: "Probably Damaging"; Align-GVGD: "Class C0"). In summary, the available evidence is currently insufficient to determine the role of this variant in disease. Therefore, it has been classified as a Variant of Uncertain Significance. This variant has not been reported in the literature in individuals affected with ZSWIM6-related conditions. The frequency data for this variant in the population databases is considered unreliable, as metrics indicate poor data quality at this position in the gnomAD database. This sequence change replaces glycine, which is neutral and non-polar, with arginine, which is basic and polar, at codon 1041 of the ZSWIM6 protein (p.Gly1041Arg).

NM_020928.2(ZSWIM6):c.3121G>A (p.Gly1041Arg)

Gene: ZSWIM6 (zinc finger SWIM-type containing 6; plus strand). Cytogenetic location: 5q12.1.
Variant type: single nucleotide variant.
Coding change: c.3121G>A on transcript NM_020928.2 (MANE Select); coding-DNA position 3121, G replaced by A.
Protein change: p.Gly1041Arg; replaces glycine 1041 with arginine.
Molecular consequence: missense variant.
Genome position (GRCh38, 1-based): chr5:61,543,790, G>A. VCF-style: chr5-61543790-G-A. GRCh37 (hg19) VCF-style: chr5-60839617-G-A.
Other names: short protein forms G1041R.
Identifiers: ClinVar variation 1958240 (VCV001958240.5), dbSNP rs776400990, ClinGen allele CA3278511.